The following is an entry in ClinVar:

NM_130839.5(UBE3A):c.2499-37dup

Genes: SNHG14 (small nucleolar RNA host gene 14; plus strand), UBE3A (ubiquitin protein ligase E3A; minus strand). Cytogenetic location: 15q11.2.
Variant type: Duplication.
Coding change: c.2499-37dup on transcript NM_130839.5 (MANE Select); 37 bases into the intron before coding-DNA position 2499, one base duplicated (A; older notation c.2499-37dupA).
Molecular consequence: intron variant.
Genome position (GRCh38, 1-based): chr15:25,339,294, T duplicated on the plus strand (A on the coding strand, the reverse complement: UBE3A is on the minus strand). VCF-style (leftmost placement, unchanged base first): chr15-25339293-G-GT. GRCh37 (hg19) VCF-style: chr15-25584440-G-GT.
Other names: c.2322-37dup (NM_001354546.2); c.1188-37dup (NM_001354551.2); c.2274-37dup (NM_001354549.2); c.2283-37dup (NM_001354548.2, NM_001354547.2); c.2439-37dup (NM_130838.4, NM_001354542.2, NM_001354523.2 and 14 more transcripts); c.1248-37dup (NM_001354550.2); c.2343-37dup (NM_001354545.2); c.2499-37dup (NM_001354538.2, NM_001354505.1); and 1 more.
Identifiers: ClinVar variation 156127 (VCV000156127.1), dbSNP rs587782913, ClinGen allele CA333418.

ClinVar aggregate classification (germline): Uncertain significance (0 of 4 stars; one submission).

Conditions:
Angelman syndrome (AS). Also called: HAPPY PUPPET SYNDROME. Identifiers: Orphanet 72, MedGen C0162635, MONDO:0007113, OMIM 105830. Disease mechanism: loss of function. Inheritance: AS is caused by disruption of maternally imprinted UBE3A located within the 15q11.2-q13 Angelman syndrome/Prader-Willi syndrome (AS/PWS) region., imprinting disorder.

Allele frequency attached by ClinVar (database versions not stated): gnomAD 0.00006 and 0.00007; gnomAD exomes 0.00007 and 0.00009; ExAC 0.00009; TOPMed 0.00010; 1000 Genomes Project 30x 0.00016.

Submission:

Baylor Genetics
Classification: Uncertain significance for Angelman syndrome. Last evaluated: 2014-02-14. Review status: no assertion criteria provided. Collection method: clinical testing. Allele origin: maternal. Affected: yes. Observed: 3 variant alleles. Study: UBE3A Mutation Study.
Comment: possible diagnosis of Angelman syndrome

Data collected from clinical UBE3A sequence analysis results

Literature cited by the submitters: PubMed 25212744.